The following is an entry in ClinVar:

ClinVar aggregate classification (germline): Uncertain significance (1 of 4 stars; one submission).

Submission:

GeneDx
Classification: Uncertain significance. Last evaluated: 2024-01-04. Review status: criteria provided, single submitter. Criteria: GeneDx Variant Classification Process June 2021. Collection method: clinical testing. Allele origin: germline. Affected: yes.
Comment: Not observed at significant frequency in large population cohorts (gnomAD); In silico analysis supports that this missense variant has a deleterious effect on protein structure/function; Has not been previously published as pathogenic or benign to our knowledge

NM_005909.5(MAP1B):c.883T>C (p.Trp295Arg)

Gene: MAP1B (microtubule associated protein 1B; plus strand). Cytogenetic location: 5q13.2.
Variant type: single nucleotide variant.
Coding change: c.883T>C on transcript NM_005909.5 (MANE Select); coding-DNA position 883, T replaced by C.
Protein change: p.Trp295Arg; replaces tryptophan 295 with arginine.
Molecular consequence: missense variant.
Genome position (GRCh38, 1-based): chr5:72,194,238, T>C. VCF-style: chr5-72194238-T-C. GRCh37 (hg19) VCF-style: chr5-71490065-T-C.
Other names: c.505T>C, p.Trp169Arg (NM_001324255.2); short protein forms W169R, W295R.
Identifiers: ClinVar variation 3367451 (VCV003367451.1).
Genomic context (GRCh38, chr5:72,194,238, plus strand): 5'-TTTGCAGTGAATGGTTTCAATATGCTCATCAATGGCGGATCAGAGAGAAAATCCTGCTTC[T>C]GGAAGCTCATCCGACACTTAGACCGAGTGGACTCCATCCTGCTCACCCACATTGGGGATG-3'
Protein context (NP_005900.2, residues 285-305): NGGSERKSCF[Trp295Arg]KLIRHLDRVD